The following is an entry in ClinVar:

ClinVar aggregate classification (germline): Uncertain significance. Review status: criteria provided, single submitter (1 of 4 stars). 2 submissions from 2 submitters: Uncertain significance (1). 1 of the submissions does not count toward it. Last evaluated 2023-10-28.

Conditions:
Neuronal ceroid lipofuscinosis 1 (CLN1). Also called: CEROID LIPOFUSCINOSIS, NEURONAL, 1, VARIABLE AGE AT ONSET; PPT1-Related Neuronal Ceroid-Lipofuscinosis. Identifiers: Orphanet 228329, MedGen C1850451, MONDO:0009744, OMIM 256730.

Allele frequency attached by ClinVar (database versions not stated): gnomAD exomes below 0.00001.
gnomAD v4.1: 1 of 1,614,128 alleles (0.000062%); highest among the groups gnomAD compares: Non-Finnish European, 0.000085%; no homozygotes.

Submissions (2):

Labcorp Genetics (formerly Invitae), Labcorp
Classification: Uncertain significance for Neuronal ceroid lipofuscinosis 1. Last evaluated: 2023-10-28. Review status: criteria provided, single submitter. Criteria: Invitae Variant Classification Sherloc (09022015). Collection method: clinical testing. Allele origin: germline.
Comment: This sequence change replaces lysine, which is basic and polar, with glutamic acid, which is acidic and polar, at codon 174 of the PPT1 protein (p.Lys174Glu). This variant is not present in population databases (gnomAD no frequency). This variant has not been reported in the literature in individuals affected with PPT1-related conditions. ClinVar contains an entry for this variant (Variation ID: 940944). Advanced modeling of protein sequence and biophysical properties (such as structural, functional, and spatial information, amino acid conservation, physicochemical variation, residue mobility, and thermodynamic stability) performed at Invitae indicates that this missense variant is not expected to disrupt PPT1 protein function with a negative predictive value of 95%. In summary, the available evidence is currently insufficient to determine the role of this variant in disease. Therefore, it has been classified as a Variant of Uncertain Significance.

Natera, Inc.
Classification: Uncertain significance for Neuronal ceroid lipofuscinosis 1. Last evaluated: 2021-08-03. Review status: no assertion criteria provided. Collection method: clinical testing. Allele origin: germline. Not counted in ClinVar's aggregate classification.

NM_000310.4(PPT1):c.520A>G (p.Lys174Glu)

Gene: PPT1 (palmitoyl-protein thioesterase 1; minus strand). Cytogenetic location: 1p34.2.
Variant type: single nucleotide variant.
Coding change: c.520A>G on transcript NM_000310.4 (MANE Select); coding-DNA position 520, A replaced by G.
Protein change: p.Lys174Glu; replaces lysine 174 with glutamic acid.
Molecular consequence: missense variant.
Genome position (GRCh38, 1-based): chr1:40,089,426, T>C on the plus strand (A>G on the coding strand, the complement: PPT1 is on the minus strand). VCF-style: chr1-40089426-T-C. GRCh37 (hg19) VCF-style: chr1-40555098-T-C.
Other names: c.211A>G, p.Lys71Glu (NM_001142604.2); c.520A>G, p.Lys174Glu (NM_001363695.2); short protein forms K174E, K71E.
Identifiers: ClinVar variation 940944 (VCV000940944.11), dbSNP rs1649436304, ClinGen allele CA339848536.